The following is an entry in ClinVar:

NM_001609.4(ACADSB):c.923G>A (p.Cys308Tyr)

Gene: ACADSB (acyl-CoA dehydrogenase short/branched chain; plus strand). Cytogenetic location: 10q26.13.
Variant type: single nucleotide variant.
Coding change: c.923G>A on transcript NM_001609.4 (MANE Select); coding-DNA position 923, G replaced by A.
Protein change: p.Cys308Tyr; replaces cysteine 308 with tyrosine.
Molecular consequence: missense variant.
Genome position (GRCh38, 1-based): chr10:123,047,231, G>A. VCF-style: chr10-123047231-G-A. GRCh37 (hg19) VCF-style: chr10-124806747-G-A.
Other names: c.617G>A, p.Cys206Tyr (NM_001330174.3); short protein forms C308Y, C206Y.
Identifiers: ClinVar variation 1481374 (VCV001481374.14), dbSNP rs770456976, ClinGen allele CA5730858.

ClinVar aggregate classification (germline): Pathogenic/Likely pathogenic. Review status: criteria provided, multiple submitters, no conflicts (2 of 4 stars). 4 submissions from 4 submitters: Pathogenic (1); Likely pathogenic (2). 1 of the submissions does not count toward it. Last evaluated 2026-01-21.

Conditions:
Deficiency of 2-methylbutyryl-CoA dehydrogenase (ACADSB). Also called: 2-methylbutyryl-CoA dehydrogenase deficiency; SBCAD deficiency; 2-methylbutyric aciduria; Short branched-chain acyl-CoA dehydrogenase deficiency; 2-methylbutyrylglycinuria. Identifiers: Orphanet 79157, MedGen C1864912, MONDO:0012392, OMIM 610006, HP:0020147.

Allele frequency attached by ClinVar (database versions not stated): gnomAD 0.00001; gnomAD exomes 0.00001 and 0.00002; ExAC 0.00002; TOPMed 0.00003.
gnomAD v4.1: 16 of 1,608,920 alleles (0.00099%); highest among the groups gnomAD compares: East Asian, 0.031%; no homozygotes.

Submissions (4):

Labcorp Genetics (formerly Invitae), Labcorp
Classification: Pathogenic for Deficiency of 2-methylbutyryl-CoA dehydrogenase. Last evaluated: 2026-01-21. Review status: criteria provided, single submitter. Criteria: Invitae Variant Classification Sherloc (09022015). Collection method: clinical testing. Allele origin: germline.
Comment: This sequence change replaces cysteine, which is neutral and slightly polar, with tyrosine, which is neutral and polar, at codon 308 of the ACADSB protein (p.Cys308Tyr). This variant is present in population databases (rs770456976, gnomAD 0.03%). This missense change has been observed in individual(s) with short/branched chain acyl-CoA dehydrogenase (SBCAD) deficiency (PMID: 31555323, 38784038; internal data). In at least one individual the data is consistent with being in trans (on the opposite chromosome) from a pathogenic variant. ClinVar contains an entry for this variant (Variation ID: 1481374). Invitae Evidence Modeling of protein sequence and biophysical properties (such as structural, functional, and spatial information, amino acid conservation, physicochemical variation, residue mobility, and thermodynamic stability) indicates that this missense variant is expected to disrupt ACADSB protein function with a positive predictive value of 95%. For these reasons, this variant has been classified as Pathogenic.

Fulgent Genetics
Classification: Likely pathogenic for Deficiency of 2-methylbutyryl-CoA dehydrogenase. Last evaluated: 2024-02-20. Review status: criteria provided, single submitter. Criteria: ACMG Guidelines, 2015. Collection method: clinical testing. Allele origin: germline.

Juno Genomics, Hangzhou Juno Genomics, Inc
Classification: Likely pathogenic for Deficiency of 2-methylbutyryl-CoA dehydrogenase. Review status: criteria provided, single submitter. Criteria: ACMG Guidelines, 2015. Collection method: clinical testing. Allele origin: germline.
Comment: Absent from controls (or at extremely low frequency if recessive) in Genome Aggregation Database.;Multiple lines of computational evidence support a deleterious effect on the gene or gene product.;For recessive disorders, detected in trans with a pathogenic variant.;Patient's phenotype or family history is highly specific for a disease with a single genetic etiology.

Neonatal Disease Screening Center, Medical Genetics Center, Huaihua City Maternal and Child Health Care Hospital
Classification: Pathogenic for Deficiency of 2-methylbutyryl-CoA dehydrogenase. Review status: no assertion criteria provided. Criteria: ACMG Guidelines, 2015. Collection method: clinical testing. Allele origin: germline. Affected: yes. Observed: 2 variant alleles. Not counted in ClinVar's aggregate classification.
Comment: PM2_P+PM3_VS+PP3

Literature cited by the submitters: PubMed 31555323 (cited by Labcorp Genetics (formerly Invitae), Labcorp); PubMed 38784038 (cited by Labcorp Genetics (formerly Invitae), Labcorp).